The following is an entry in ClinVar:

ClinVar aggregate classification (germline): Conflicting classifications of pathogenicity. Review status: criteria provided, conflicting classifications (1 of 4 stars). 6 submissions from 6 submitters: Pathogenic (2); Likely pathogenic (3); Uncertain significance (1). Last evaluated 2026-09-01.

Conditions:
Charcot-Marie-Tooth disease axonal type 2T. Identifiers: Orphanet 443950, MedGen C4015635, OMIM 617017, MONDO:0014866.

Allele frequency attached by ClinVar (database versions not stated): gnomAD exomes 0.00001; TOPMed 0.00001; gnomAD 0.00002.
gnomAD v4.1: 23 of 1,613,686 alleles (0.0014%); highest among the groups gnomAD compares: East Asian, 0.0045%; no homozygotes.

Submissions (6):

CeGaT Center for Human Genetics Tuebingen
Classification: Pathogenic. Last evaluated: 2026-09-01. Review status: criteria provided, single submitter. Criteria: CeGaT Center For Human Genetics Tuebingen Variant Classification Criteria Version 2. Collection method: clinical testing. Allele origin: germline. Affected: yes. Observed: 1 variant allele.
Comment: MME: PVS1, PM2

Labcorp Genetics (formerly Invitae), Labcorp
Classification: Pathogenic. Last evaluated: 2025-12-29. Review status: criteria provided, single submitter. Criteria: Invitae Variant Classification Sherloc (09022015). Collection method: clinical testing. Allele origin: germline.
Comment: This sequence change affects a donor splice site in intron 19 of the MME gene. It is expected to disrupt RNA splicing. Variants that disrupt the donor or acceptor splice site typically lead to a loss of protein function (PMID: 16199547), and loss-of-function variants in MME are known to be pathogenic (PMID: 26991897). This variant is present in population databases (no rsID available, gnomAD 0.01%). Disruption of this splice site has been observed in individual(s) with autosomal recessive Charcot-Marie-Tooth disease (internal data). In at least one individual the data is consistent with being in trans (on the opposite chromosome) from a pathogenic variant. ClinVar contains an entry for this variant (Variation ID: 1303651). Algorithms developed to predict the effect of sequence changes on RNA splicing suggest that this variant may disrupt the consensus splice site. For these reasons, this variant has been classified as Pathogenic.

Dasa
Classification: Likely pathogenic. Last evaluated: 2025-01-03. Review status: criteria provided, single submitter. Criteria: DASA Assertion Criteria. Collection method: clinical testing. Allele origin: germline.
Comment: NM_007289.4(MME):c.1914+1G>A affects a canonical splice site and is predicted to disrupt normal RNA splicing. Loss of function is an established disease mechanism for MME-associated disorders. Also, this variant is rare in population databases. Based on the currently available evidence, this variant is classified as likely pathogenic.

Women's Health and Genetics/Laboratory Corporation of America, LabCorp
Classification: Likely pathogenic for Charcot-Marie-Tooth disease axonal type 2T. Last evaluated: 2023-09-22. Review status: criteria provided, single submitter. Criteria: LabCorp Variant Classification Summary - May 2015. Collection method: clinical testing. Allele origin: germline.
Comment: Variant summary: MME c.1914+1G>A is located in a canonical splice-site and is predicted to affect mRNA splicing resulting in a significantly altered protein due to either exon skipping, shortening, or inclusion of intronic material. Several computational tools predict a significant impact on normal splicing: Three predict the variant abolishes the 5' canonical splicing donor site. One predict the variant no significant impact on splicing. However, these predictions have yet to be confirmed by functional studies. The variant allele was found at a frequency of 8e-06 in 250936 control chromosomes. To our knowledge, no occurrence of c.1914+1G>A in individuals affected with Charcot-Marie Disease Axonal Type 2T and no experimental evidence demonstrating its impact on protein function have been reported. Two submitters have cited clinical-significance assessments for this variant to ClinVar after 2014. One submitter classified the variant as likely pathogenic, and one submitter classified the variant as uncertain significance. Based on the evidence outlined above, the variant was classified as likely pathogenic.

GeneDx
Classification: Uncertain significance. Last evaluated: 2021-01-19. Review status: criteria provided, single submitter. Criteria: GeneDx Variant Classification Process June 2021. Collection method: clinical testing. Allele origin: germline. Affected: yes.
Comment: Canonical splice site variant predicted to result in a null allele in a gene for which loss-of-function is a known mechanism of disease; Has not been previously published as pathogenic or benign to our knowledge; This variant is associated with the following publications: (PMID: 33144514)

Neuberg Centre For Genomic Medicine, NCGM
Classification: Likely pathogenic for Charcot-Marie-Tooth disease axonal type 2T. Review status: criteria provided, single submitter. Criteria: ACMG Guidelines, 2015. Collection method: clinical testing. Allele origin: germline. Inheritance: Autosomal recessive inheritance. Affected: yes.
Comment: The invariant splice donor c.1914+1G>A in MME gene has not been reported previously as a pathogenic variant nor as a benign variant, to our knowledge. The c.1914+1G>A variant has allele frequency 0.001% in gnomAD Exomes and is novel not in any individuals in 1000 Genomes. This variant has been reported to the ClinVar database as Uncertain Significance / Likely Pathogenic. Loss-of-function variants in MME are known to be pathogenic Higuchi Y et al. 2016. For these reasons, this variant has been classified as Likely Pathogenic.

Literature cited by the submitters: PubMed 16199547 (cited by Labcorp Genetics (formerly Invitae), Labcorp); PubMed 26991897 (cited by Labcorp Genetics (formerly Invitae), Labcorp).

NM_007289.4(MME):c.1914+1G>A

Gene: MME (membrane metalloendopeptidase; plus strand). Cytogenetic location: 3q25.2.
Variant type: single nucleotide variant.
Coding change: c.1914+1G>A on transcript NM_007289.4 (MANE Select); the canonical splice donor site of the intron after coding-DNA position 1914, G replaced by A.
Molecular consequence: splice donor variant.
Genome position (GRCh38, 1-based): chr3:155,168,626, G>A. VCF-style: chr3-155168626-G-A. GRCh37 (hg19) VCF-style: chr3-154886415-G-A.
Other names: c.1914+1G>A (NM_007289.2, NM_001354642.2, NM_000902.5 and 3 more transcripts).
Identifiers: ClinVar variation 1303651 (VCV001303651.15), dbSNP rs1003705057, ClinGen allele CA86315749.